The following is an entry in ClinVar:

NM_182760.4(SUMF1):c.730T>A (p.Phe244Ile)

Gene: SUMF1 (sulfatase modifying factor 1; minus strand). Cytogenetic location: 3p26.1.
Variant type: single nucleotide variant.
Coding change: c.730T>A on transcript NM_182760.4 (MANE Select); coding-DNA position 730, T replaced by A.
Protein change: p.Phe244Ile; replaces phenylalanine 244 with isoleucine.
Molecular consequence: missense variant.
Genome position (GRCh38, 1-based): chr3:4,417,238, A>T on the plus strand (T>A on the coding strand, the complement: SUMF1 is on the minus strand). VCF-style: chr3-4417238-A-T. GRCh37 (hg19) VCF-style: chr3-4458922-A-T.
Other names: p.Phe244Ile; c.655T>A, p.Phe219Ile (NM_001164674.2); c.730T>A, p.Phe244Ile (NM_001164675.2); short protein forms F219I, F244I.
Identifiers: ClinVar variation 4540834 (VCV004540834.1).

ClinVar aggregate classification (germline): Uncertain significance (1 of 4 stars; one submission).

Submission:

Mayo Clinic Laboratories, Mayo Clinic
Classification: Uncertain significance. Last evaluated: 2025-08-04. Review status: criteria provided, single submitter. Criteria: ACMG Guidelines, 2015. Collection method: clinical testing. Allele origin: germline. Observed: 1 variant allele.
Comment: PP3_moderate, PM2_supporting